The following is an entry in ClinVar:

NM_017950.4(CCDC40):c.2619+45G>A

Gene: CCDC40 (coiled-coil domain 40 molecular ruler complex subunit; plus strand). Cytogenetic location: 17q25.3.
Variant type: single nucleotide variant.
Coding change: c.2619+45G>A on transcript NM_017950.4 (MANE Select); 45 bases into the intron after coding-DNA position 2619, G replaced by A.
Molecular consequence: intron variant.
Genome position (GRCh38, 1-based): chr17:80,087,821, G>A. VCF-style: chr17-80087821-G-A. GRCh37 (hg19) VCF-style: chr17-78061620-G-A.
Other names: c.2619+45G>A (NM_001243342.2).
Identifiers: ClinVar variation 2505169 (VCV002505169.4), dbSNP rs1225389709, ClinGen allele CA628018540.
Genomic context (GRCh38, chr17:80,087,821, plus strand): 5'-CGTGCGCTCGCTGAAGGTCCGGCCGTGTCCACGCAGTCCCGGGGCTCAGGACGATGGAGG[G>A]CGGGGGTACGGTCCTTGCGGTGGGCGTTCTGCACCAGGATGTAATTTCCACACCCGTTCA-3'

ClinVar aggregate classification (germline): Pathogenic (1 of 4 stars; one submission).

Conditions:
Primary ciliary dyskinesia 15. Also called: CILIARY DYSKINESIA, PRIMARY, 15, WITH OR WITHOUT SITUS INVERSUS. Identifiers: Orphanet 244, MedGen C3151137, MONDO:0013435, OMIM 613808.

Allele frequency attached by ClinVar (database versions not stated): gnomAD exomes below 0.00001.
gnomAD v4.1: 4 of 1,587,062 alleles (0.00025%); highest among the groups gnomAD compares: East Asian, 0.0022%; no homozygotes.

Submission:

The Research Institute of Tuberculosis, Japan Anti-Tuberculosis Association
Classification: Pathogenic for Primary ciliary dyskinesia 15. Last evaluated: 2021-07-19. Review status: criteria provided, single submitter. Criteria: ACMG Guidelines, 2015. Collection method: research. Allele origin: unknown, not applicable. Inheritance: Autosomal recessive inheritance. Affected: yes. Observed: 1 compound heterozygote. Functional consequence: cryptic splice donor activation.
Comment: Total RNA-seq analysis of the nasal mucosal specimen with NM_017950.4:c.2619+45G>A allele revealed the activation of an aberrant splicing donor in intron 15, specifically located 50-bp downstream of the canonical splice donor site. The subsequent Sanger sequencing of the RT-PCR product confirmed the insertion of the 50-bp sequence in CCDC40 cDNA, leading to a frame shift and a premature stop codon.

Literature cited by the submitters: PubMed 37260176.